The following is an entry in ClinVar:

ClinVar aggregate classification (germline): Uncertain significance (1 of 4 stars; one submission).

Conditions:
Ataxia-telangiectasia syndrome (AT). Also called: Ataxia-telangiectasia, complementation group E; AT, COMPLEMENTATION GROUP C; ATAXIA-TELANGIECTASIA, COMPLEMENTATION GROUP A; ATAXIA-TELANGIECTASIA, FRESNO VARIANT; Ataxia-telangiectasia; LOUIS-BAR SYNDROME. Identifiers: Orphanet 100, MedGen C0004135, MONDO:0008840, OMIM 208900.

Submission:

Labcorp Genetics (formerly Invitae), Labcorp
Classification: Uncertain significance for Ataxia-telangiectasia syndrome. Last evaluated: 2015-09-19. Review status: criteria provided, single submitter. Criteria: Invitae Variant Classification Sherloc (09022015). Collection method: clinical testing. Allele origin: germline.
Comment: This sequence change is a gross duplication of the genomic region encompassing exons 2 (the first coding exon) through 27 of the ATM gene. This duplication extends beyond the edge of the assayed region, and the 5' boundary of this event is not known. Furthermore, the exact position of the duplicated exons cannot be determined from this data, and may or may not be in tandem. This gross duplication event has not been reported in the literature. For these reasons, this variant has been classified as a Variant of Uncertain Significance.

NM_000051.3(ATM):c.(?_-1)_4109+?dup

Genes: ATM (ATM serine/threonine kinase; plus strand), LOC129390353 (MPRA-validated peak1450 silencer; plus strand), LOC128772356 (melanoma risk locus-associated MPRA allelic enhancer 11:108140516; plus strand), LOC129390352 (MPRA-validated peak1449 silencer; plus strand). Cytogenetic location: 11q22.3.
Variant type: Duplication.
Other names: c.(?_-1)_4109+?dup (LRG_135t1).
Identifiers: ClinVar variation 220299 (VCV000220299.1).